The following is an entry in ClinVar:

NM_031263.4(HNRNPK):c.573_574del (p.Arg191fs)

Genes: HNRNPK (heterogeneous nuclear ribonucleoprotein K; minus strand), HNRNPK-AS1 (HNRNPK antisense RNA 1; plus strand). Cytogenetic location: 9q21.32.
Variant type: Microsatellite.
Coding change: c.573_574del on transcript NM_031263.4 (MANE Select); coding-DNA positions 573 to 574, 2 bases deleted (AG; older notation c.573_574delAG).
Protein change: p.Arg191fs; shifts the reading frame from arginine 191.
Molecular consequence: frameshift variant.
Genome position (GRCh38, 1-based): chr9:83,972,915-83,972,916, CT deleted on the plus strand (AG on the coding strand, the reverse complement: HNRNPK is on the minus strand); deleting any 2 consecutive bases within chr9:83,972,915-83,972,918 gives the same sequence; the c. name uses the placement nearest the transcript's 3' end. VCF-style (leftmost placement, unchanged base first): chr9-83972914-ACT-A. GRCh37 (hg19) VCF-style: chr9-86587829-ACT-A.
Other names: c.501_502del, p.Arg167fs (NM_001318186.2, NM_001318187.2); c.573_574del, p.Arg191fs (NM_001318188.2, NM_002140.5, NM_031262.4); short protein forms R167fs, R191fs.
Identifiers: ClinVar variation 1029561 (VCV001029561.1), dbSNP rs1956917064, ClinGen allele CA1860329556.
Genomic context (GRCh38, chr9:83,972,914, plus strand): 5'-AGATCAAGGATGATCTTTATGCACTCTACAACCCTATCGGGTTTTCCTCCAATAAGAACA[ACT>A]CTGTCAGTGGAATGAGGACAGCATTCCTGGAAAAGCTTGATGGTGGTTTGAGTGTTCTGT-3'

ClinVar aggregate classification (germline): Pathogenic (1 of 4 stars; one submission).

Conditions:
Au-Kline syndrome. Also called: Neurodevelopmental disorder-craniofacial dysmorphism-cardiac defect-hip dysplasia syndrome due to a point mutation; Okamoto syndrome. Identifiers: Orphanet 2729, Orphanet 453499, Orphanet 453504, MedGen C4225274, MONDO:0014700, OMIM 616580.

Submission:

Baylor Genetics
Classification: Pathogenic for Au-Kline syndrome. Last evaluated: 2019-02-02. Review status: criteria provided, single submitter. Criteria: ACMG Guidelines, 2015. Collection method: clinical testing. Allele origin: de novo. Affected: yes.
Comment: This variant was determined to be pathogenic according to ACMG Guidelines, 2015 [PMID:25741868].